The following is an entry in ClinVar:

NM_000321.3(RB1):c.2764A>G (p.Thr922Ala)

Gene: RB1 (RB transcriptional corepressor 1; plus strand). Cytogenetic location: 13q14.2.
Variant type: single nucleotide variant.
Coding change: c.2764A>G on transcript NM_000321.3 (MANE Select); coding-DNA position 2764, A replaced by G.
Protein change: p.Thr922Ala; replaces threonine 922 with alanine.
Molecular consequence: missense variant.
Genome position (GRCh38, 1-based): chr13:48,480,048, A>G. VCF-style: chr13-48480048-A-G. GRCh37 (hg19) VCF-style: chr13-49054184-A-G.
Other names: short protein forms T922A.
Identifiers: ClinVar variation 860663 (VCV000860663.12), dbSNP rs1949528678, ClinGen allele CA388158535.

ClinVar aggregate classification (germline): Conflicting classifications of pathogenicity. Review status: criteria provided, conflicting classifications (1 of 4 stars). 3 submissions from 3 submitters: Uncertain significance (2); Likely benign (1). Last evaluated 2026-08-06.

Conditions:
Hereditary cancer-predisposing syndrome. Also called: Tumor predisposition; Hereditary neoplastic syndrome; Neoplastic Syndromes, Hereditary; Hereditary Cancer Syndrome. Identifiers: Orphanet 140162, MedGen C0027672, MeSH D009386, MONDO:0015356.
Retinoblastoma (RB1). Also called: RETINOBLASTOMA, SOMATIC. Identifiers: Orphanet 790, MedGen C0035335, MeSH D012175, MONDO:0008380, OMIM 180200, HP:0009919. Disease mechanism: loss of function. Inheritance: Both sporadic and heritable forms are tested..

Allele frequency attached by ClinVar (database versions not stated): gnomAD exomes 0.00001.
gnomAD v4.1: 6 of 1,613,254 alleles (0.00037%); highest among the groups gnomAD compares: Non-Finnish European, 0.00051%; no homozygotes.

Submissions (3):

Ambry Genetics
Classification: Likely benign for Hereditary cancer-predisposing syndrome. Last evaluated: 2026-08-06. Review status: criteria provided, single submitter. Criteria: Ambry Variant Classification Scheme 2023. Collection method: clinical testing. Allele origin: germline.

Labcorp Genetics (formerly Invitae), Labcorp
Classification: Uncertain significance for Retinoblastoma. Last evaluated: 2025-08-18. Review status: criteria provided, single submitter. Criteria: Invitae Variant Classification Sherloc (09022015). Collection method: clinical testing. Allele origin: germline.
Comment: This sequence change replaces threonine, which is neutral and polar, with alanine, which is neutral and non-polar, at codon 922 of the RB1 protein (p.Thr922Ala). This variant is not present in population databases (gnomAD no frequency). This variant has not been reported in the literature in individuals affected with RB1-related conditions. ClinVar contains an entry for this variant (Variation ID: 860663). An algorithm developed to predict the effect of missense changes on protein structure and function outputs the following: PolyPhen-2: "Benign". The alanine amino acid residue is found in multiple mammalian species, which suggests that this missense change does not adversely affect protein function. In summary, the available evidence is currently insufficient to determine the role of this variant in disease. Therefore, it has been classified as a Variant of Uncertain Significance.

All of Us Research Program, National Institutes of Health
Classification: Uncertain significance for Retinoblastoma. Last evaluated: 2024-07-20. Review status: criteria provided, single submitter. Criteria: ACMG Guidelines, 2015. Collection method: clinical testing. Allele origin: germline. Inheritance: Autosomal dominant inheritance. Observed: 1 variant allele, 1 heterozygote.
Comment: This missense variant replaces threonine with alanine at codon 922 of the RB1 protein. Computational prediction suggests that this variant may not impact protein structure and function (internally defined REVEL score threshold <= 0.5, PMID: 27666373). To our knowledge, functional studies have not been reported for this variant. This variant has not been reported in individuals affected with hereditary cancer in the literature. This variant has not been identified in the general population by the Genome Aggregation Database (gnomAD). The available evidence is insufficient to determine the role of this variant in disease conclusively. Therefore, this variant is classified as a Variant of Uncertain Significance.

This study involves interpretation of variants in research participants for the purpose of population health screening. Participant phenotype was not available at the time of variant classification. Additional details can be found in publication PMID: 35346344, PMCID: PMC8962531